The following is an entry in ClinVar:

ClinVar aggregate classification (germline): Likely benign. Review status: criteria provided, multiple submitters, no conflicts (2 of 4 stars). 3 submissions from 3 submitters: Likely benign (3). Last evaluated 2025-10-29.

Conditions:
Hereditary cancer-predisposing syndrome. Also called: Hereditary Cancer Syndrome; Neoplastic Syndromes, Hereditary; Tumor predisposition; Hereditary neoplastic syndrome. Identifiers: Orphanet 140162, MedGen C0027672, MeSH D009386, MONDO:0015356.
Hereditary breast ovarian cancer syndrome. Also called: Hereditary breast and ovarian cancer syndrome; Hereditary breast and ovarian cancer syndrome (HBOC); Hereditary breast and ovarian cancer; Hereditary breast and/or ovarian cancer syndrome; Breast and ovarian cancer; BRCA1- and BRCA2-Associated Hereditary Breast and Ovarian Cancer. Identifiers: Orphanet 145, MedGen C0677776, MeSH D061325, MONDO:0003582. Disease mechanism: loss of function.
Breast-ovarian cancer, familial, susceptibility to, 2 (BROVCA2). Also called: BRCA2 Hereditary Breast and Ovarian Cancer. Identifiers: Orphanet 145, MedGen C2675520, MONDO:0012933, OMIM 612555. Disease mechanism: loss of function.

Allele frequency attached by ClinVar (database versions not stated): TOPMed 0.00001.
gnomAD v4.1: 3 of 1,612,076 alleles (0.00019%); highest among the groups gnomAD compares: Non-Finnish European, 0.00025%; no homozygotes.

Submissions (3):

Labcorp Genetics (formerly Invitae), Labcorp
Classification: Likely benign for Hereditary breast ovarian cancer syndrome. Last evaluated: 2025-10-29. Review status: criteria provided, single submitter. Criteria: Invitae Variant Classification Sherloc (09022015). Collection method: clinical testing. Allele origin: germline.

Myriad Genetics, Inc.
Classification: Likely benign for Breast-ovarian cancer, familial, susceptibility to, 2. Last evaluated: 2023-03-31. Review status: criteria provided, single submitter. Criteria: Myriad Autosomal Dominant, Autosomal Recessive and X-Linked Classification Criteria (2023). Collection method: clinical testing. Allele origin: unknown.
Comment: This variant is considered likely benign. This variant is intronic and is not expected to impact mRNA splicing. This variant is strongly associated with less severe personal and family histories of cancer, typical for individuals without pathogenic variants in this gene [PMID: 25085752].

Color Diagnostics, LLC DBA Color Health
Classification: Likely benign for Hereditary cancer-predisposing syndrome. Last evaluated: 2018-06-06. Review status: criteria provided, single submitter. Criteria: ACMG Guidelines, 2015. Collection method: clinical testing. Allele origin: germline.

Literature cited by the submitters: PubMed 25085752 (cited by Myriad Genetics, Inc.).

NM_000059.4(BRCA2):c.476-15T>G

Gene: BRCA2 (BRCA2 DNA repair associated; plus strand). Cytogenetic location: 13q13.1.
Variant type: single nucleotide variant.
Coding change: c.476-15T>G on transcript NM_000059.4 (MANE Select); 15 bases into the intron before coding-DNA position 476, T replaced by G.
Molecular consequence: intron variant.
Genome position (GRCh38, 1-based): chr13:32,326,227, T>G. VCF-style: chr13-32326227-T-G. GRCh37 (hg19) VCF-style: chr13-32900364-T-G.
Identifiers: ClinVar variation 630182 (VCV000630182.11), dbSNP rs200458964, ClinGen allele CA697330304.